The following is an entry in ClinVar:

ClinVar aggregate classification (germline): Uncertain significance. Review status: criteria provided, multiple submitters, no conflicts (2 of 4 stars). 3 submissions from 3 submitters: Uncertain significance (3). Last evaluated 2025-05-16.

Conditions:
Inborn genetic diseases. Identifiers: MedGen C0950123, MeSH D030342.

Allele frequency attached by ClinVar (database versions not stated): gnomAD exomes 0.00001; TOPMed 0.00001; ExAC 0.00003; gnomAD 0.00001.

Submissions (3):

Ambry Genetics
Classification: Uncertain significance for Inborn genetic diseases. Last evaluated: 2025-05-16. Review status: criteria provided, single submitter. Criteria: Ambry Variant Classification Scheme 2023. Collection method: clinical testing. Allele origin: germline.

Labcorp Genetics (formerly Invitae), Labcorp
Classification: Uncertain significance. Last evaluated: 2024-10-22. Review status: criteria provided, single submitter. Criteria: Invitae Variant Classification Sherloc (09022015). Collection method: clinical testing. Allele origin: germline.
Comment: This sequence change replaces threonine, which is neutral and polar, with methionine, which is neutral and non-polar, at codon 42 of the KLHL7 protein (p.Thr42Met). This variant is present in population databases (no rsID available, gnomAD 0.004%). This variant has not been reported in the literature in individuals affected with KLHL7-related conditions. ClinVar contains an entry for this variant (Variation ID: 1966500). An algorithm developed to predict the effect of missense changes on protein structure and function (PolyPhen-2) suggests that this variant is likely to be disruptive. In summary, the available evidence is currently insufficient to determine the role of this variant in disease. Therefore, it has been classified as a Variant of Uncertain Significance.

Blueprint Genetics
Classification: Uncertain significance. Last evaluated: 2019-09-30. Review status: criteria provided, single submitter. Criteria: ACMG Guidelines, 2015. Collection method: clinical testing. Allele origin: germline.

NM_001031710.3(KLHL7):c.125C>T (p.Thr42Met)

Gene: KLHL7 (kelch like family member 7; plus strand). Cytogenetic location: 7p15.3.
Variant type: single nucleotide variant.
Coding change: c.125C>T on transcript NM_001031710.3 (MANE Select); coding-DNA position 125, C replaced by T.
Protein change: p.Thr42Met; replaces threonine 42 with methionine.
Molecular consequence: missense variant. On other transcripts: 5 prime UTR variant (1), non-coding transcript variant (2).
Genome position (GRCh38, 1-based): chr7:23,123,781, C>T. VCF-style: chr7-23123781-C-T. GRCh37 (hg19) VCF-style: chr7-23163400-C-T.
Other names: c.125C>T, p.Thr42Met (NM_001172428.2); c.-20C>T (NM_018846.5); c.125C>T (NM_001031710.2); short protein forms T42M.
Identifiers: ClinVar variation 1966500 (VCV001966500.7), dbSNP rs995194046, ClinGen allele CA4186297.